The following is an entry in ClinVar:

ClinVar aggregate classification (germline): Conflicting classifications of pathogenicity. Review status: criteria provided, conflicting classifications (1 of 4 stars). 7 submissions from 6 submitters: Uncertain significance (1); Benign (4); Likely benign (2). Last evaluated 2026-08-10.

Conditions:
SLC2A1-related disorder. Also called: SLC2A1-related disorders; SLC2A1-related condition.
Dystonia 9 (DYT9). Also called: CHOREOATHETOSIS, KINESIGENIC, WITH EPISODIC ATAXIA AND SPASTICITY. Identifiers: Orphanet 53583, MedGen C1832855, MONDO:0010983, OMIM 601042.
GLUT1 deficiency syndrome 1, autosomal recessive. Identifiers: MedGen C3149117.
Encephalopathy due to GLUT1 deficiency. Also called: GLUCOSE TRANSPORT DEFECT, BLOOD-BRAIN BARRIER; Classic Glucose Transporter Type 1 Deficiency Syndrome; De Vivo disease; GLUT1 deficiency syndrome 1; Glucose transporter protein syndrome; GLUT1 deficiency syndrome 1, infantile onset, severe. Identifiers: Orphanet 71277, MedGen C4551966, MONDO:0011724, OMIM 606777.

Allele frequency attached by ClinVar (database versions not stated): gnomAD 0.00004 and 0.00009; TOPMed 0.00004; gnomAD exomes 0.00014 and 0.00024; 1000 Genomes Project 30x 0.00016; ExAC 0.00017; 1000 Genomes Project 0.00020.
gnomAD v4.1: 356 of 1,613,894 alleles (0.022%); highest among the groups gnomAD compares: East Asian, 0.79%; 3 homozygotes.

Submissions (7):

PreventionGenetics, part of Exact Sciences
Classification: Likely benign for SLC2A1-related condition. Last evaluated: 2026-08-10. Review status: criteria provided, single submitter. Criteria: ACMG Guidelines, 2015. Collection method: clinical testing. Allele origin: germline.
Comment: This variant is classified as likely benign based on ACMG/AMP sequence variant interpretation guidelines (Richards et al. 2015 PMID: 25741868, with internal and published modifications).

Labcorp Genetics (formerly Invitae), Labcorp
Classification: Benign for GLUT1 deficiency syndrome 1, autosomal recessive. Last evaluated: 2025-05-26. Review status: criteria provided, single submitter. Criteria: Invitae Variant Classification Sherloc (09022015). Collection method: clinical testing. Allele origin: germline.

Blueprint Genetics
Classification: Likely benign. Last evaluated: 2024-07-17. Review status: criteria provided, single submitter. Criteria: ACMG Guidelines, 2015. Collection method: clinical testing. Allele origin: germline.

GeneDx
Classification: Benign. Last evaluated: 2018-11-07. Review status: criteria provided, single submitter. Criteria: GeneDx Variant Classification Process June 2021. Collection method: clinical testing. Allele origin: germline. Affected: yes.

Illumina Laboratory Services, Illumina
Classification: Benign for Encephalopathy due to GLUT1 deficiency. Last evaluated: 2018-01-12. Review status: criteria provided, single submitter. Criteria: ICSL Variant Classification Criteria 13 December 2019. Collection method: clinical testing. Allele origin: germline.
Comment: This variant was observed in the ICSL laboratory as part of a predisposition screen in an ostensibly healthy population. It had not been previously curated by ICSL or reported in the Human Gene Mutation Database (HGMD: prior to June 1st, 2018), and was therefore a candidate for classification through an automated scoring system. Utilizing variant allele frequency, disease prevalence and penetrance estimates, and inheritance mode, an automated score was calculated to assess if this variant is too frequent to cause the disease. Based on the score and internal cut-off values, a variant classified as benign is not then subjected to further curation. The score for this variant resulted in a classification of benign for this disease.

Illumina Laboratory Services, Illumina
Classification: Benign for Dystonia 9. Last evaluated: 2018-01-12. Review status: criteria provided, single submitter. Criteria: ICSL Variant Classification Criteria 13 December 2019. Collection method: clinical testing. Allele origin: germline.
Comment: the same text as in the submission from Illumina Laboratory Services, Illumina above.

Eurofins Ntd Llc (ga)
Classification: Uncertain significance. Last evaluated: 2015-02-14. Review status: criteria provided, single submitter. Criteria: EGL Classification Definitions 2015. Collection method: clinical testing. Allele origin: germline. Observed: 2 variant alleles, 2 heterozygotes.

NM_006516.4(SLC2A1):c.906G>T (p.Gly302=)

Gene: SLC2A1 (solute carrier family 2 member 1; minus strand). Cytogenetic location: 1p34.2.
Variant type: single nucleotide variant.
Coding change: c.906G>T on transcript NM_006516.4 (MANE Select); coding-DNA position 906, G replaced by T.
Protein change: p.Gly302=; no amino-acid change (glycine 302 retained).
Molecular consequence: synonymous variant.
Genome position (GRCh38, 1-based): chr1:42,929,276, C>A on the plus strand (G>T on the coding strand, the complement: SLC2A1 is on the minus strand). VCF-style: chr1-42929276-C-A. GRCh37 (hg19) VCF-style: chr1-43394947-C-A.
Identifiers: ClinVar variation 198545 (VCV000198545.24), dbSNP rs55693364, ClinGen allele CA019352.